The following is an entry in ClinVar:

ClinVar aggregate classification (germline): Uncertain significance (1 of 4 stars; one submission).

Conditions:
Hereditary cancer-predisposing syndrome. Also called: Neoplastic Syndromes, Hereditary; Tumor predisposition; Hereditary neoplastic syndrome; Hereditary Cancer Syndrome. Identifiers: Orphanet 140162, MedGen C0027672, MeSH D009386, MONDO:0015356.

gnomAD v4.1: 1 of 1,614,180 alleles (0.000062%); highest among the groups gnomAD compares: Non-Finnish European, 0.000085%; no homozygotes.

Submission:

Ambry Genetics
Classification: Uncertain significance for Hereditary cancer-predisposing syndrome. Last evaluated: 2024-04-30. Review status: criteria provided, single submitter. Criteria: Ambry Variant Classification Scheme 2023. Collection method: clinical testing. Allele origin: germline.
Comment: The p.I189T variant (also known as c.566T>C), located in coding exon 5 of the SMARCB1 gene, results from a T to C substitution at nucleotide position 566. The isoleucine at codon 189 is replaced by threonine, an amino acid with similar properties. This amino acid position is conserved. In addition, this alteration is predicted to be deleterious by in silico analysis. Based on the available evidence, the clinical significance of this variant remains unclear.

NM_003073.5(SMARCB1):c.566T>C (p.Ile189Thr)

Gene: SMARCB1 (SWI/SNF related BAF chromatin remodeling complex subunit B1; plus strand). Cytogenetic location: 22q11.23.
Variant type: single nucleotide variant.
Coding change: c.566T>C on transcript NM_003073.5 (MANE Select); coding-DNA position 566, T replaced by C.
Protein change: p.Ile189Thr; replaces isoleucine 189 with threonine.
Molecular consequence: missense variant.
Genome position (GRCh38, 1-based): chr22:23,803,360, T>C. VCF-style: chr22-23803360-T-C. GRCh37 (hg19) VCF-style: chr22-24145547-T-C.
Other names: c.539T>C, p.Ile180Thr (NM_001007468.3); c.593T>C, p.Ile198Thr (NM_001317946.2); c.620T>C, p.Ile207Thr (NM_001362877.2); short protein forms I189T, I207T, I198T, I180T.
Identifiers: ClinVar variation 3320811 (VCV003320811.1).